The following is an entry in ClinVar:

NM_031433.4(MFRP):c.629del (p.Gly210fs)

Genes: C1QTNF5 (C1q and TNF related 5; minus strand), MFRP (membrane frizzled-related protein; minus strand). Cytogenetic location: 11q23.3.
Variant type: Deletion.
Coding change: c.629del on transcript NM_031433.4 (MANE Select); coding-DNA position 629, one base deleted (G; older notation c.629delG).
Protein change: p.Gly210fs; shifts the reading frame from glycine 210.
Molecular consequence: frameshift variant. On other transcripts: 5 prime UTR variant (1).
Genome position (GRCh38, 1-based): chr11:119,345,432, C deleted on the plus strand (G on the coding strand, the reverse complement: MFRP is on the minus strand); the first of 2 consecutive C bases (chr11:119,345,432-119,345,433); deleting either gives the same sequence. VCF-style (leftmost placement, unchanged base first): chr11-119345431-GC-G. GRCh37 (hg19) VCF-style: chr11-119216141-GC-G.
Other names: c.-2008del (NM_015645.5); short protein forms G210fs.
Identifiers: ClinVar variation 571158 (VCV000571158.9), dbSNP rs1565295426, ClinGen allele CA891843082.

ClinVar aggregate classification (germline): Pathogenic/Likely pathogenic. Review status: criteria provided, multiple submitters, no conflicts (2 of 4 stars). 2 submissions from 2 submitters: Pathogenic (1); Likely pathogenic (1). Last evaluated 2021-10-26.

Conditions:
MFRP-related disorder. Also called: MFRP-related disorders; MFRP-related condition.
Isolated microphthalmia 5. Also called: Posterior Microphthalmia with Retinitis Pigmentosa, Foveoschisis, and Optic Disc Drusen. Identifiers: Orphanet 251279, MedGen C1970236, MONDO:0012605, OMIM 611040.

Submissions (2):

Blueprint Genetics
Classification: Likely pathogenic for MFRP-related disorders. Last evaluated: 2021-10-26. Review status: criteria provided, single submitter. Criteria: ACMG Guidelines, 2015. Collection method: clinical testing. Allele origin: germline. Affected: yes. Observed: 1 variant allele.

Labcorp Genetics (formerly Invitae), Labcorp
Classification: Pathogenic for Isolated microphthalmia 5. Last evaluated: 2017-10-24. Review status: criteria provided, single submitter. Criteria: Invitae Variant Classification Sherloc (09022015). Collection method: clinical testing. Allele origin: germline.
Comment: This sequence change creates a premature translational stop signal (p.Gly210Alafs*96) in the MFRP gene. It is expected to result in an absent or disrupted protein product. For these reasons, this variant has been classified as Pathogenic. Loss-of-function variants in MFRP are known to be pathogenic (PMID: 12140190, 15976030, 20361016). This variant has not been reported in the literature in individuals with MFRP-related disease. This variant is not present in population databases (ExAC no frequency).

Literature cited by the submitters: PubMed 12140190 (cited by Labcorp Genetics (formerly Invitae), Labcorp); PubMed 15976030 (cited by Labcorp Genetics (formerly Invitae), Labcorp); PubMed 20361016 (cited by Labcorp Genetics (formerly Invitae), Labcorp).